The following is an entry in ClinVar:

NM_025179.4(PLXNA2):c.4682C>T (p.Ala1561Val)

Gene: PLXNA2 (plexin A2; minus strand). Cytogenetic location: 1q32.2.
Variant type: single nucleotide variant.
Coding change: c.4682C>T on transcript NM_025179.4 (MANE Select); coding-DNA position 4682, C replaced by T.
Protein change: p.Ala1561Val; replaces alanine 1561 with valine.
Molecular consequence: missense variant.
Genome position (GRCh38, 1-based): chr1:208,038,453, G>A on the plus strand (C>T on the coding strand, the complement: PLXNA2 is on the minus strand). VCF-style: chr1-208038453-G-A. GRCh37 (hg19) VCF-style: chr1-208211798-G-A.
Other names: short protein forms A1561V.
Identifiers: ClinVar variation 4982092 (VCV004982092.1).

ClinVar aggregate classification (germline): Uncertain significance (1 of 4 stars; one submission).

Conditions:
PLXNA2-related disorder. Also called: PLXNA2-related condition.

Submission:

PreventionGenetics, part of Exact Sciences
Classification: Uncertain significance for PLXNA2-related condition. Last evaluated: 2025-06-25. Review status: criteria provided, single submitter. Criteria: ACMG Guidelines, 2015. Collection method: clinical testing. Allele origin: germline.
Comment: The PLXNA2 c.4682C>T variant is predicted to result in the amino acid substitution p.Ala1561Val. To our knowledge, this variant has not been reported in the literature or in a large population database (gnomAD), indicating this variant is rare. At this time, the clinical significance of this variant is uncertain due to the absence of conclusive functional and genetic evidence.